The following is an entry in ClinVar:

ClinVar aggregate classification (germline): Likely benign (1 of 4 stars; one submission).

Conditions:
CEP164-related disorder. Also called: CEP164-related condition.

Submission:

PreventionGenetics, part of Exact Sciences
Classification: Likely benign for CEP164-related condition. Last evaluated: 2026-02-13. Review status: criteria provided, single submitter. Criteria: ACMG Guidelines, 2015. Collection method: clinical testing. Allele origin: germline.
Comment: This variant is classified as likely benign based on ACMG/AMP sequence variant interpretation guidelines (Richards et al. 2015 PMID: 25741868, with internal and published modifications).

NM_014956.5(CEP164):c.3975A>C (p.Ser1325=)

Gene: CEP164 (centrosomal protein 164; plus strand). Cytogenetic location: 11q23.3.
Variant type: single nucleotide variant.
Coding change: c.3975A>C on transcript NM_014956.5 (MANE Select); coding-DNA position 3975, A replaced by C.
Protein change: p.Ser1325=; no amino-acid change (serine 1325 retained).
Molecular consequence: synonymous variant.
Genome position (GRCh38, 1-based): chr11:117,409,844, A>C. VCF-style: chr11-117409844-A-C. GRCh37 (hg19) VCF-style: chr11-117280560-A-C.
Other names: c.3960A>C, p.Ser1320= (NM_001271933.2); c.3981A>C, p.Ser1327= (NM_001440949.1); c.3975A>C, p.Ser1325= (NM_001440950.1, NM_001440951.1); c.3966A>C, p.Ser1322= (NM_001440952.1); c.3951A>C, p.Ser1317= (NM_001440953.1); c.3897A>C, p.Ser1299= (NM_001440954.1, NM_001440955.1); c.3888A>C, p.Ser1296= (NM_001440956.1); c.3885A>C, p.Ser1295= (NM_001440957.1); and 21 more.
Identifiers: ClinVar variation 4999444 (VCV004999444.1).